The following is an entry in ClinVar:

ClinVar aggregate classification (germline): Uncertain significance (1 of 4 stars; one submission).

Conditions:
Combined immunodeficiency with skin granulomas. Identifiers: Orphanet 157949, MedGen C2673536, MONDO:0009306, OMIM 233650.

Submission:

Institute of Human Genetics, University of Leipzig Medical Center
Classification: Uncertain significance for Combined immunodeficiency with skin granulomas. Last evaluated: 2024-10-01. Review status: criteria provided, single submitter. Criteria: ACMG Guidelines, 2015. Collection method: clinical testing. Allele origin: unknown. Inheritance: Autosomal recessive inheritance. Affected: yes.
Comment: Criteria applied: PM2,PS4_SUP,PP3

NM_000448.3(RAG1):c.472G>A (p.Val158Ile)

Gene: RAG1 (recombination activating 1; plus strand). Cytogenetic location: 11p12.
Variant type: single nucleotide variant.
Coding change: c.472G>A on transcript NM_000448.3 (MANE Select); coding-DNA position 472, G replaced by A.
Protein change: p.Val158Ile; replaces valine 158 with isoleucine.
Molecular consequence: missense variant.
Genome position (GRCh38, 1-based): chr11:36,573,776, G>A. VCF-style: chr11-36573776-G-A. GRCh37 (hg19) VCF-style: chr11-36595326-G-A.
Other names: c.472G>A, p.Val158Ile (NM_001377277.1, NM_001377278.1, NM_001377279.1 and 1 more transcripts); short protein forms V158I.
Identifiers: ClinVar variation 1285497 (VCV001285497.3), dbSNP rs2133293572, ClinGen allele CA380146622.